The following is an entry in ClinVar:

ClinVar aggregate classification (germline): Pathogenic (1 of 4 stars; one submission).

Conditions:
Curry-Hall syndrome (WAD). Also called: WEYERS ACRODENTAL DYSOSTOSIS. Identifiers: Orphanet 952, MedGen C0457013, MONDO:0008673, OMIM 193530.
Ellis-van Creveld syndrome (EVC). Also called: EVC-Related Ellis-van Creveld Syndrome; EVC2-Related Ellis-van Creveld Syndrome; MESOECTODERMAL DYSPLASIA; Chondroectodermal dysplasia. Identifiers: Orphanet 289, MedGen C0013903, MONDO:0009162, OMIM 225500.

Submission:

Labcorp Genetics (formerly Invitae), Labcorp
Classification: Pathogenic for Curry-Hall syndrome; Ellis-van Creveld syndrome. Last evaluated: 2021-08-12. Review status: criteria provided, single submitter. Criteria: Invitae Variant Classification Sherloc (09022015). Collection method: clinical testing. Allele origin: germline.
Comment: This variant is a gross deletion of the genomic region encompassing exon(s) 9-10 of the EVC gene. This variant would be expected to be in-frame, preserving the integrity of the reading frame. This variant has not been reported in the literature in individuals affected with EVC-related conditions. The region of the EVC gene that includes exon(s) 10 has been determined to be clinically significant (PMID: 17024374, 26748586). Therefore, deletions that encompass that region are likely to be disease-causing. For these reasons, this variant has been classified as Pathogenic.

Literature cited by the submitters: PubMed 17024374; PubMed 26748586.

NC_000004.11:g.(?_5754553)_(5755670_?)del

Gene: EVC (EvC ciliary complex subunit 1; plus strand). Cytogenetic location: 4p16.2.
Variant type: Deletion.
Identifiers: ClinVar variation 1069687 (VCV001069687.3).